The following is an entry in ClinVar:

ClinVar aggregate classification (germline): Uncertain significance (1 of 4 stars; one submission).

Conditions:
Bardet-Biedl syndrome (BBS). Identifiers: Orphanet 110, MedGen C0752166, MONDO:0015229.

Allele frequency attached by ClinVar (database versions not stated): TOPMed below 0.00001.

Submission:

Labcorp Genetics (formerly Invitae), Labcorp
Classification: Uncertain significance for Bardet-Biedl syndrome. Last evaluated: 2021-07-04. Review status: criteria provided, single submitter. Criteria: Invitae Variant Classification Sherloc (09022015). Collection method: clinical testing. Allele origin: germline.
Comment: In summary, the available evidence is currently insufficient to determine the role of this variant in disease. Therefore, it has been classified as a Variant of Uncertain Significance. Nucleotide substitutions within the consensus splice site are a relatively common cause of aberrant splicing (PMID: 17576681, 9536098). Algorithms developed to predict the effect of sequence changes on RNA splicing suggest that this variant is not likely to affect RNA splicing. This variant has not been reported in the literature in individuals affected with WDPCP-related conditions. This variant is not present in population databases (ExAC no frequency). This sequence change falls in intron 5 of the WDPCP gene. It does not directly change the encoded amino acid sequence of the WDPCP protein. It affects a nucleotide within the consensus splice site of the intron.

Literature cited by the submitters: PubMed 17576681; PubMed 9536098.

NM_015910.7(WDPCP):c.324+6T>C

Gene: WDPCP (WD repeat containing planar cell polarity effector; minus strand). Cytogenetic location: 2p15.
Variant type: single nucleotide variant.
Coding change: c.324+6T>C on transcript NM_015910.7 (MANE Select); 6 bases into the intron after coding-DNA position 324, T replaced by C.
Molecular consequence: intron variant.
Genome position (GRCh38, 1-based): chr2:63,484,911, A>G on the plus strand (T>C on the coding strand, the complement: WDPCP is on the minus strand). VCF-style: chr2-63484911-A-G. GRCh37 (hg19) VCF-style: chr2-63712045-A-G.
Other names: c.252+6T>C (NM_001354044.2); c.324+6T>C (NM_001354045.2).
Identifiers: ClinVar variation 1442500 (VCV001442500.5), dbSNP rs1700475057, ClinGen allele CA1256352116.